The following is an entry in ClinVar:

ClinVar aggregate classification (germline): not provided (0 of 4 stars; one submission).

Conditions:
Large for gestational age. Identifiers: MedGen C1848395, HP:0001520.

Submission:

Institute of Molecular and Cell Biology, University of Tartu
No classification provided. Condition: Large for gestational age. Review status: no classification provided. Collection method: case-control. Allele origin: unknown. Affected: yes. Study: Kasak2014.
Comment: The study aimed to determine the contribution of copy number variants in the genetic etiology of normal and complicated pregnancies. The samples represented (i) maternal blood DNA drawn from healthy pregnant women during 1st or 2nd trimester and (ii) maternal and paternal blood DNA drawn at term pregnancy cases representing normal and complicated gestations (severe preeclampsia, PE; gestational diabetes, GD; small-for-gestational age newborn, SGA; large-for-gestational age newborn, LGA). We performed CNV calling based on genome-wide genotyping dataset (Illumina HumanOmniExpress-24-v1 BeadChip) by applying three algorithms, QuantiSNP, GADA (Genome Alteration Detection Algorithm) and CNstream in parallel. The acquired CNV calls were merged with HD-CNV (Hotspot Detector for Copy Number Variants) program and only the CNVs predicted by at least two programs, were considered in subsequent analysis.

Literature cited by the submitters: PubMed 25666259.

CM000663.1:g.12880153_12913896del

Genes: HNRNPCL1 (heterogeneous nuclear ribonucleoprotein C like 1; minus strand), PRAMEF11 (PRAME family member 11; minus strand). Cytogenetic location: 1p36.21.
Variant type: Deletion.
Identifiers: ClinVar variation 156728 (VCV000156728.2).